The following is an entry in ClinVar:

NM_000257.4(MYH7):c.4729G>A (p.Ala1577Thr)

Genes: MHRT (myosin heavy chain associated RNA transcript; plus strand), MYH7 (myosin heavy chain 7; minus strand), LOC126861897 (BRD4-independent group 4 enhancer GRCh37_chr14:23884455-23885654; plus strand). Cytogenetic location: 14q11.2.
Variant type: single nucleotide variant.
Coding change: c.4729G>A on transcript NM_000257.4 (MANE Select); coding-DNA position 4729, G replaced by A.
Protein change: p.Ala1577Thr; replaces alanine 1577 with threonine.
Molecular consequence: missense variant. On other transcripts: non-coding transcript variant (1).
Genome position (GRCh38, 1-based): chr14:23,416,228, C>T on the plus strand (G>A on the coding strand, the complement: MYH7 is on the minus strand). VCF-style: chr14-23416228-C-T. GRCh37 (hg19) VCF-style: chr14-23885437-C-T.
Other names: short protein forms A1577T.
Identifiers: ClinVar variation 930791 (VCV000930791.3), dbSNP rs1892202753, ClinGen allele CA389037765.

ClinVar aggregate classification (germline): Uncertain significance (1 of 4 stars; one submission).

Conditions:
Congenital myopathy with fiber type disproportion. Also called: Congenital fiber-type disproportion myopathy; Congenital fiber-type disproportion. Identifiers: Orphanet 2020, MedGen C0546264, MONDO:0009711. Inheritance: all.

Submission:

Centre for Mendelian Genomics, University Medical Centre Ljubljana
Classification: Uncertain significance for Congenital myopathy 4A, autosomal dominant. Last evaluated: 2019-09-26. Review status: criteria provided, single submitter. Criteria: ACMG Guidelines, 2015. Collection method: clinical testing. Allele origin: unknown. Affected: yes.
Comment: This variant was classified as: Uncertain significance. The available evidence favors the pathogenic nature of this variant, however the currently available data is insufficient to conclusively support its pathogenic nature. Thus this variant is classified as Uncertain significance - favor pathogenic. The following ACMG criteria were applied in classifying this variant: PM2,PP4,BP4.